The following is an entry in ClinVar:

ClinVar aggregate classification (germline): Conflicting classifications of pathogenicity. Review status: criteria provided, conflicting classifications (1 of 4 stars). 2 submissions from 2 submitters: Likely pathogenic (1); Uncertain significance (1). Last evaluated 2025-10-02.

Submissions (2):

Labcorp Genetics (formerly Invitae), Labcorp
Classification: Uncertain significance. Last evaluated: 2025-10-02. Review status: criteria provided, single submitter. Criteria: Invitae Variant Classification Sherloc (09022015). Collection method: clinical testing. Allele origin: germline.
Comment: This sequence change replaces isoleucine, which is neutral and non-polar, with threonine, which is neutral and polar, at codon 322 of the FBXO11 protein (p.Ile322Thr). This variant is not present in population databases (gnomAD no frequency). This variant has not been reported in the literature in individuals affected with FBXO11-related conditions. ClinVar contains an entry for this variant (Variation ID: 3373573). An algorithm developed to predict the effect of missense changes on protein structure and function (PolyPhen-2) suggests that this variant is likely to be tolerated. In summary, the available evidence is currently insufficient to determine the role of this variant in disease. Therefore, it has been classified as a Variant of Uncertain Significance.

GeneDx
Classification: Likely pathogenic. Last evaluated: 2025-03-10. Review status: criteria provided, single submitter. Criteria: GeneDx Variant Classification Process June 2021. Collection method: clinical testing. Allele origin: germline. Affected: yes.
Comment: Not observed at significant frequency in large population cohorts (gnomAD); In silico analysis supports that this missense variant has a deleterious effect on protein structure/function; Has not been previously published as pathogenic or benign to our knowledge

NM_001190274.2(FBXO11):c.965T>C (p.Ile322Thr)

Gene: FBXO11 (F-box protein 11; minus strand). Cytogenetic location: 2p16.3.
Variant type: single nucleotide variant.
Coding change: c.965T>C on transcript NM_001190274.2 (MANE Select); coding-DNA position 965, T replaced by C.
Protein change: p.Ile322Thr; replaces isoleucine 322 with threonine.
Molecular consequence: missense variant.
Genome position (GRCh38, 1-based): chr2:47,833,040, A>G on the plus strand (T>C on the coding strand, the complement: FBXO11 is on the minus strand). VCF-style: chr2-47833040-A-G. GRCh37 (hg19) VCF-style: chr2-48060179-A-G.
Other names: c.713T>C, p.Ile238Thr (NM_001374325.1, NM_025133.4); short protein forms I238T, I322T.
Identifiers: ClinVar variation 3373573 (VCV003373573.4).